The following is an entry in ClinVar:

NM_001348323.3(TRIP12):c.1382C>T (p.Pro461Leu)

Gene: TRIP12 (thyroid hormone receptor interactor 12; minus strand). Cytogenetic location: 2q36.3.
Variant type: single nucleotide variant.
Coding change: c.1382C>T on transcript NM_001348323.3 (MANE Select); coding-DNA position 1382, C replaced by T.
Protein change: p.Pro461Leu; replaces proline 461 with leucine.
Molecular consequence: missense variant.
Genome position (GRCh38, 1-based): chr2:229,829,261, G>A on the plus strand (C>T on the coding strand, the complement: TRIP12 is on the minus strand). VCF-style: chr2-229829261-G-A. GRCh37 (hg19) VCF-style: chr2-230693977-G-A.
Other names: c.1382C>T, p.Pro461Leu (NM_001284214.2, NM_001348315.2, NM_001348319.1 and 11 more transcripts); c.1256C>T, p.Pro419Leu (NM_001284215.2, NM_001348316.2, NM_001348317.1 and 2 more transcripts); c.347C>T, p.Pro116Leu (NM_001284216.2); c.1295C>T, p.Pro432Leu (NM_001348332.1); c.1238C>T, p.Pro413Leu (NM_004238.3); short protein forms P116L, P413L, P419L, P432L, P461L.
Identifiers: ClinVar variation 1806561 (VCV001806561.1), dbSNP rs2052637241, ClinGen allele CA350883231.

ClinVar aggregate classification (germline): Uncertain significance (1 of 4 stars; one submission).

Submission:

GeneDx
Classification: Uncertain significance. Last evaluated: 2022-06-21. Review status: criteria provided, single submitter. Criteria: GeneDx Variant Classification Process June 2021. Collection method: clinical testing. Allele origin: germline. Affected: yes.
Comment: Not observed at significant frequency in large population cohorts (gnomAD); In silico analysis supports that this missense variant has a deleterious effect on protein structure/function; Has not been previously published as pathogenic or benign to our knowledge